The following is an entry in ClinVar:

NM_004168.4(SDHA):c.632A>T (p.Tyr211Phe)

Gene: SDHA (succinate dehydrogenase complex flavoprotein subunit A; plus strand). Cytogenetic location: 5p15.33.
Variant type: single nucleotide variant.
Coding change: c.632A>T on transcript NM_004168.4 (MANE Select); coding-DNA position 632, A replaced by T.
Protein change: p.Tyr211Phe; replaces tyrosine 211 with phenylalanine.
Molecular consequence: missense variant.
Genome position (GRCh38, 1-based): chr5:228,195, A>T. VCF-style: chr5-228195-A-T. GRCh37 (hg19) VCF-style: chr5-228310-A-T.
Other names: c.488A>T, p.Tyr163Phe (NM_001294332.2); c.632A>T, p.Tyr211Phe (NM_001330758.2); short protein forms Y163F, Y211F.
Identifiers: ClinVar variation 952667 (VCV000952667.13), dbSNP rs1235961098, ClinGen allele CA359010799.

ClinVar aggregate classification (germline): Uncertain significance. Review status: criteria provided, multiple submitters, no conflicts (2 of 4 stars). 2 submissions from 2 submitters: Uncertain significance (2). Last evaluated 2025-07-04.

Conditions:
Hereditary cancer-predisposing syndrome. Also called: Hereditary Cancer Syndrome; Neoplastic Syndromes, Hereditary; Tumor predisposition; Hereditary neoplastic syndrome. Identifiers: Orphanet 140162, MedGen C0027672, MeSH D009386, MONDO:0015356.
Mitochondrial complex II deficiency, nuclear type 1. Also called: SUCCINATE CoQ REDUCTASE DEFICIENCY. Identifiers: Orphanet 3208, MedGen C5700310, MONDO:0100294, OMIM 252011.
Pheochromocytoma/paraganglioma syndrome 5. Also called: Paragangliomas 5; SDHA-Related Hereditary Paraganglioma-Pheochromocytoma Syndrome. Identifiers: Orphanet 29072, MedGen C3279992, MONDO:0013602, OMIM 614165.

Submissions (2):

Ambry Genetics
Classification: Uncertain significance for Hereditary cancer-predisposing syndrome. Last evaluated: 2025-07-04. Review status: criteria provided, single submitter. Criteria: Ambry Variant Classification Scheme 2023. Collection method: clinical testing. Allele origin: germline.
Comment: The p.Y211F variant (also known as c.632A>T), located in coding exon 6 of the SDHA gene, results from an A to T substitution at nucleotide position 632. The tyrosine at codon 211 is replaced by phenylalanine, an amino acid with highly similar properties. This amino acid position is highly conserved in available vertebrate species. In addition, the in silico prediction for this alteration is inconclusive. Based on the available evidence, the clinical significance of this variant remains unclear.

Labcorp Genetics (formerly Invitae), Labcorp
Classification: Uncertain significance for Pheochromocytoma/paraganglioma syndrome 5; Mitochondrial complex II deficiency, nuclear type 1. Last evaluated: 2025-01-13. Review status: criteria provided, single submitter. Criteria: Invitae Variant Classification Sherloc (09022015). Collection method: clinical testing. Allele origin: germline.
Comment: This sequence change replaces tyrosine, which is neutral and polar, with phenylalanine, which is neutral and non-polar, at codon 211 of the SDHA protein (p.Tyr211Phe). This variant is not present in population databases (gnomAD no frequency). This variant has not been reported in the literature in individuals affected with SDHA-related conditions. ClinVar contains an entry for this variant (Variation ID: 952667). Invitae Evidence Modeling of protein sequence and biophysical properties (such as structural, functional, and spatial information, amino acid conservation, physicochemical variation, residue mobility, and thermodynamic stability) indicates that this missense variant is not expected to disrupt SDHA protein function with a negative predictive value of 95%. In summary, the available evidence is currently insufficient to determine the role of this variant in disease. Therefore, it has been classified as a Variant of Uncertain Significance.